The following is an entry in ClinVar:

ClinVar aggregate classification (germline): Uncertain significance (1 of 4 stars; one submission).

Conditions:
Inborn genetic diseases. Identifiers: MedGen C0950123, MeSH D030342.

Submission:

Ambry Genetics
Classification: Uncertain significance for Inborn genetic diseases. Last evaluated: 2025-07-25. Review status: criteria provided, single submitter. Criteria: Ambry Variant Classification Scheme 2023. Collection method: clinical testing. Allele origin: germline.
Comment: The p.V881F variant (also known as c.2641G>T), located in coding exon 27 of the RTEL1 gene, results from a G to T substitution at nucleotide position 2641. The valine at codon 881 is replaced by phenylalanine, an amino acid with highly similar properties. This amino acid position is conserved. In addition, this alteration is predicted to be tolerated by in silico analysis. Based on the available evidence, the clinical significance of this variant remains unclear.

NM_001283009.2(RTEL1):c.2641G>T (p.Val881Phe)

Genes: RTEL1 (regulator of telomere elongation helicase 1; plus strand), RTEL1-TNFRSF6B (RTEL1-TNFRSF6B readthrough (NMD candidate); plus strand). Cytogenetic location: 20q13.33.
Variant type: single nucleotide variant.
Coding change: c.2641G>T on transcript NM_001283009.2 (MANE Select); coding-DNA position 2641, G replaced by T.
Protein change: p.Val881Phe; replaces valine 881 with phenylalanine.
Molecular consequence: missense variant. On other transcripts: non-coding transcript variant (1).
Genome position (GRCh38, 1-based): chr20:63,691,826, G>T. VCF-style: chr20-63691826-G-T. GRCh37 (hg19) VCF-style: chr20-62323179-G-T.
Other names: c.1972G>T, p.Val658Phe (NM_001283010.1); c.2641G>T, p.Val881Phe (NM_016434.4); c.2713G>T, p.Val905Phe (NM_032957.5); short protein forms V881F, V658F, V905F.
Identifiers: ClinVar variation 4157618 (VCV004157618.1).
Genomic context (GRCh38, chr20:63,691,826, plus strand): 5'-CTCCTGTCTGAGAAGAGGCCGGCAGAAGAACCGCGAGGAGGGAGGAAGAAGATCCGGCTG[G>T]TCAGCCACCCGGTGCGTGAGCTGTCCCTGCACCTGTGCCGACCACCATAGACACGCATGG-3'
Protein context (NP_001269938.1, residues 871-891): PRGGRKKIRL[Val881Phe]SHPEEPVAGA